The following is an entry in ClinVar:

ClinVar aggregate classification (germline): Conflicting classifications of pathogenicity. Review status: criteria provided, conflicting classifications (1 of 4 stars). 4 submissions from 4 submitters: Uncertain significance (2); Likely benign (2). Last evaluated 2025-11-03.

Conditions:
Familial spontaneous pneumothorax (PSP). Identifiers: Orphanet 2903, MedGen C1868193, MONDO:0008259, OMIM 173600.
Nonpapillary renal cell carcinoma. Identifiers: Orphanet 422526, MedGen CN074294, MONDO:0007763, OMIM 144700.
Colorectal cancer. Also called: Malignant Colorectal Neoplasm; Colorectal cancer, somatic. Identifiers: MedGen C0346629, MONDO:0005575, OMIM 114500.
Birt-Hogg-Dube syndrome 1 (BHD1). Also called: FIBROFOLLICULOMAS WITH TRICHODISCOMAS AND ACROCHORDONS. Identifiers: Orphanet 122, MedGen CN375946, MONDO:0800445, OMIM 135150.
Hereditary cancer-predisposing syndrome. Also called: Neoplastic Syndromes, Hereditary; Hereditary neoplastic syndrome; Tumor predisposition; Hereditary Cancer Syndrome. Identifiers: Orphanet 140162, MedGen C0027672, MeSH D009386, MONDO:0015356.
Birt-Hogg-Dube syndrome. Also called: Birt Hogg Dubé syndrome. Identifiers: Orphanet 122, MedGen C0346010, MONDO:0800444.

Allele frequency attached by ClinVar (database versions not stated): gnomAD exomes 0.00001; ExAC 0.00002; TOPMed 0.00002; gnomAD 0.00003 and 0.00002.
gnomAD v4.1: 7 of 1,613,984 alleles (0.00043%); highest among the groups gnomAD compares: African/African-American, 0.008%; no homozygotes.

Submissions (4):

Labcorp Genetics (formerly Invitae), Labcorp
Classification: Likely benign for Birt-Hogg-Dube syndrome. Last evaluated: 2025-11-03. Review status: criteria provided, single submitter. Criteria: Invitae Variant Classification Sherloc (09022015). Collection method: clinical testing. Allele origin: germline.

Fulgent Genetics
Classification: Uncertain significance for Colorectal cancer; Birt-Hogg-Dube syndrome 1; Nonpapillary renal cell carcinoma; Familial spontaneous pneumothorax. Last evaluated: 2024-04-08. Review status: criteria provided, single submitter. Criteria: ACMG Guidelines, 2015. Collection method: clinical testing. Allele origin: germline.

Quest Diagnostics Nichols Institute San Juan Capistrano
Classification: Uncertain significance. Last evaluated: 2024-01-18. Review status: criteria provided, single submitter. Criteria: Quest Diagnostics criteria. Collection method: clinical testing. Allele origin: unknown.
Comment: The FLCN c.1432+3G>T variant has not been reported in individuals with FLCN-related conditions in the published literature. The frequency of this variant in the general population, 0.000008 (2/251316 chromosomes (Genome Aggregation Database)), is uninformative in the assessment of its pathogenicity. Analysis of this variant using software algorithms for the prediction of the effect of nucleotide changes on FLCN mRNA splicing yielded inconclusive findings. Based on the available information, we are unable to determine the clinical significance of this variant.

Ambry Genetics
Classification: Likely benign for Hereditary cancer-predisposing syndrome. Last evaluated: 2021-04-26. Review status: criteria provided, single submitter. Criteria: Ambry Variant Classification Scheme 2023. Collection method: clinical testing. Allele origin: germline.

NM_144997.7(FLCN):c.1432+3G>T

Gene: FLCN (folliculin; minus strand). Cytogenetic location: 17p11.2.
Variant type: single nucleotide variant.
Coding change: c.1432+3G>T on transcript NM_144997.7 (MANE Select); 3 bases into the intron after coding-DNA position 1432, G replaced by T.
Molecular consequence: intron variant.
Genome position (GRCh38, 1-based): chr17:17,215,182, C>A on the plus strand (G>T on the coding strand, the complement: FLCN is on the minus strand). VCF-style: chr17-17215182-C-A. GRCh37 (hg19) VCF-style: chr17-17118496-C-A.
Other names: c.1432+3G>T (LRG_325t1, NM_001353231.2, NM_001353230.2 and 1 more transcripts); c.1486+3G>T (NM_001353229.2).
Identifiers: ClinVar variation 663839 (VCV000663839.14), dbSNP rs752730139, ClinGen allele CA8416002.